The following is an entry in ClinVar:

ClinVar aggregate classification (germline): Pathogenic (1 of 4 stars; one submission).

Conditions:
Neurofibromatosis, type 1 (NF1). Also called: VON RECKLINGHAUSEN DISEASE; NEUROFIBROMATOSIS, TYPE I, SOMATIC; Peripheral type neurofibromatosis; Neurofibromatosis, type I. Identifiers: Orphanet 636, MedGen C0027831, MONDO:0018975, OMIM 162200. Disease mechanism: loss of function.

Submission:

Labcorp Genetics (formerly Invitae), Labcorp
Classification: Pathogenic for Neurofibromatosis, type 1. Last evaluated: 2023-10-16. Review status: criteria provided, single submitter. Criteria: Invitae Variant Classification Sherloc (09022015). Collection method: clinical testing. Allele origin: germline.
Comment: This sequence change creates a premature translational stop signal (p.Leu2280Ilefs*6) in the NF1 gene. It is expected to result in an absent or disrupted protein product. Loss-of-function variants in NF1 are known to be pathogenic (PMID: 10712197, 23913538). This variant is not present in population databases (gnomAD no frequency). This variant has not been reported in the literature in individuals affected with NF1-related conditions. ClinVar contains an entry for this variant (Variation ID: 457811). For these reasons, this variant has been classified as Pathogenic.

Literature cited by the submitters: PubMed 10712197; PubMed 23913538.

NM_001042492.3(NF1):c.6900dup (p.Leu2301fs)

Gene: NF1 (neurofibromin 1; plus strand). Cytogenetic location: 17q11.2.
Variant type: Duplication.
Coding change: c.6900dup on transcript NM_001042492.3 (MANE Select); coding-DNA position 6900, one base duplicated (A; older notation c.6900dupA).
Protein change: p.Leu2301fs; shifts the reading frame from leucine 2301.
Molecular consequence: frameshift variant.
Genome position (GRCh38, 1-based): chr17:31,338,784, A duplicated; the last of 3 consecutive A bases (chr17:31,338,782-31,338,784); duplicating any one gives the same sequence. VCF-style (leftmost placement, unchanged base first): chr17-31338781-C-CA. GRCh37 (hg19) VCF-style: chr17-29665799-C-CA.
Other names: c.6837dupA (NM_000267.3); c.6837dup, p.Leu2280Ilefs (NM_000267.4); short protein forms L2280fs, L2301fs.
Identifiers: ClinVar variation 457811 (VCV000457811.5), dbSNP rs1555535050, ClinGen allele CA658658593.